The following is an entry in ClinVar:

NM_000218.3(KCNQ1):c.1251G>T (p.Val417=)

Gene: KCNQ1 (potassium voltage-gated channel subfamily Q member 1; plus strand). Cytogenetic location: 11p15.5.
Variant type: single nucleotide variant.
Coding change: c.1251G>T on transcript NM_000218.3 (MANE Select); coding-DNA position 1251, G replaced by T.
Protein change: p.Val417=; no amino-acid change (valine 417 retained).
Molecular consequence: synonymous variant.
Genome position (GRCh38, 1-based): chr11:2,587,692, G>T. VCF-style: chr11-2587692-G-T. GRCh37 (hg19) VCF-style: chr11-2608922-G-T.
Other names: c.1155G>T, p.Val385= (NM_001406836.1); c.981G>T, p.Val327= (NM_001406837.1); c.711G>T, p.Val237= (NM_001406838.1); c.870G>T, p.Val290= (NM_181798.2).
Identifiers: ClinVar variation 2027901 (VCV002027901.4), dbSNP rs1369698000, ClinGen allele CA472039294.

ClinVar aggregate classification (germline): Uncertain significance (1 of 4 stars; one submission).

Conditions:
Long QT syndrome (LQTS). Identifiers: MedGen C0023976, MeSH D008133, MONDO:0002442. Disease mechanism: loss of function. Inheritance: Various modes of inheritance.

Submission:

Labcorp Genetics (formerly Invitae), Labcorp
Classification: Uncertain significance for Long QT syndrome. Last evaluated: 2023-09-10. Review status: criteria provided, single submitter. Criteria: Invitae Variant Classification Sherloc (09022015). Collection method: clinical testing. Allele origin: germline.
Comment: ClinVar contains an entry for this variant (Variation ID: 2027901). This variant is not present in population databases (gnomAD no frequency). This variant has not been reported in the literature in individuals affected with KCNQ1-related conditions. Variants that disrupt the consensus splice site are a relatively common cause of aberrant splicing (PMID: 17576681, 9536098). Algorithms developed to predict the effect of sequence changes on RNA splicing suggest that this variant is not likely to affect RNA splicing. In summary, the available evidence is currently insufficient to determine the role of this variant in disease. Therefore, it has been classified as a Variant of Uncertain Significance. This sequence change affects codon 417 of the KCNQ1 mRNA. It is a 'silent' change, meaning that it does not change the encoded amino acid sequence of the KCNQ1 protein. This variant also falls at the last nucleotide of exon 9, which is part of the consensus splice site for this exon.

Literature cited by the submitters: PubMed 17576681; PubMed 9536098.